The following is an entry in ClinVar:

ClinVar aggregate classification (germline): Likely benign (1 of 4 stars; one submission).

Submission:

CeGaT Center for Human Genetics Tuebingen
Classification: Likely benign. Last evaluated: 2026-01-01. Review status: criteria provided, single submitter. Criteria: CeGaT Center For Human Genetics Tuebingen Variant Classification Criteria Version 2. Collection method: clinical testing. Allele origin: germline. Affected: yes. Observed: 1 variant allele.
Comment: CENPF: BP4, BP7

NM_016343.4(CENPF):c.2299C>T (p.Leu767=)

Gene: CENPF (centromere protein F; plus strand). Cytogenetic location: 1q41.
Variant type: single nucleotide variant.
Coding change: c.2299C>T on transcript NM_016343.4 (MANE Select); coding-DNA position 2299, C replaced by T.
Protein change: p.Leu767=; no amino-acid change (leucine 767 retained).
Molecular consequence: synonymous variant.
Genome position (GRCh38, 1-based): chr1:214,640,637, C>T. VCF-style: chr1-214640637-C-T. GRCh37 (hg19) VCF-style: chr1-214813980-C-T.
Identifiers: ClinVar variation 4821501 (VCV004821501.4).